The following is an entry in ClinVar:

NM_020631.6(PLEKHG5):c.1080+5G>T

Gene: PLEKHG5 (pleckstrin homology and RhoGEF domain containing G5; minus strand). Cytogenetic location: 1p36.31.
Variant type: single nucleotide variant.
Coding change: c.1080+5G>T on transcript NM_020631.6 (MANE Select); 5 bases into the intron after coding-DNA position 1080, G replaced by T.
Molecular consequence: intron variant.
Genome position (GRCh38, 1-based): chr1:6,472,522, C>A on the plus strand (G>T on the coding strand, the complement: PLEKHG5 is on the minus strand). VCF-style: chr1-6472522-C-A. GRCh37 (hg19) VCF-style: chr1-6532582-C-A.
Other names: c.1080+5G>T (NM_198681.4, NM_001265594.3, NM_001042664.2 and 1 more transcripts); c.1191+5G>T (NM_001042663.3, NM_001265592.2); c.1287+5G>T (NM_001265593.2).
Identifiers: ClinVar variation 1035867 (VCV001035867.14), dbSNP rs1644623669, ClinGen allele CA1151501849.
Genomic context (GRCh38, chr1:6,472,522, plus strand): 5'-CAGCTGAGGGCTGTCAGAAAGAGGGGGGCAGGGTGGCCACGGGGACCAGCGCAGCCCCTA[C>A]TCACGTTGATGATCACCCGCAGTTTCCTGATGTAGGAGGCCTCCGTGTGCAGCAGCTCCC-3'

ClinVar aggregate classification (germline): Uncertain significance (1 of 4 stars; one submission).

Conditions:
Charcot-Marie-Tooth disease recessive intermediate C. Also called: CHARCOT-MARIE-TOOTH NEUROPATHY, RECESSIVE INTERMEDIATE C. Identifiers: Orphanet 369867, MedGen C3809309, MONDO:0014154, OMIM 615376.
Neuronopathy, distal hereditary motor, autosomal recessive 4. Also called: Autosomal recessive lower motor neuron disease with childhood onset; NEUROPATHY, DISTAL HEREDITARY MOTOR, AUTOSOMAL RECESSIVE 4. Identifiers: Orphanet 206580, MedGen C1970211, MONDO:0012608, OMIM 611067.

Submission:

Labcorp Genetics (formerly Invitae), Labcorp
Classification: Uncertain significance for Neuronopathy, distal hereditary motor, autosomal recessive 4; Charcot-Marie-Tooth disease recessive intermediate C. Last evaluated: 2020-02-19. Review status: criteria provided, single submitter. Criteria: Invitae Variant Classification Sherloc (09022015). Collection method: clinical testing. Allele origin: germline.
Comment: This sequence change falls in intron 10 of the PLEKHG5 gene. It does not directly change the encoded amino acid sequence of the PLEKHG5 protein, but it affects a nucleotide within the consensus splice site of the intron. This variant is not present in population databases (ExAC no frequency). This variant has not been reported in the literature in individuals with PLEKHG5-related conditions. Nucleotide substitutions within the consensus splice site are a relatively common cause of aberrant splicing (PMID: 17576681, 9536098). Algorithms developed to predict the effect of sequence changes on RNA splicing suggest that this variant may disrupt the consensus splice site, but this prediction has not been confirmed by published transcriptional studies. In summary, the available evidence is currently insufficient to determine the role of this variant in disease. Therefore, it has been classified as a Variant of Uncertain Significance.

Literature cited by the submitters: PubMed 17576681; PubMed 9536098.